The following is an entry in ClinVar:

NM_015692.5(CPAMD8):c.3262C>T (p.Arg1088Ter)

Gene: CPAMD8 (C3 and PZP like alpha-2-macroglobulin domain containing 8; minus strand). Cytogenetic location: 19p13.11.
Variant type: single nucleotide variant.
Coding change: c.3262C>T on transcript NM_015692.5 (MANE Select); coding-DNA position 3262, C replaced by T.
Protein change: p.Arg1088Ter; replaces arginine 1088 with a stop codon.
Molecular consequence: nonsense.
Genome position (GRCh38, 1-based): chr19:16,928,117, G>A on the plus strand (C>T on the coding strand, the complement: CPAMD8 is on the minus strand). VCF-style: chr19-16928117-G-A. GRCh37 (hg19) VCF-style: chr19-17038927-G-A.
Other names: short protein forms R1088*.
Identifiers: ClinVar variation 5018964 (VCV005018964.2).

ClinVar aggregate classification (germline): Likely pathogenic (1 of 4 stars; one submission).

Conditions:
Anterior segment dysgenesis 8 (ASGD8). Identifiers: Orphanet 519388, MedGen C4310622, MONDO:0015017, OMIM 617319.

gnomAD v4.1: 82 of 1,613,926 alleles (0.0051%); highest among the groups gnomAD compares: East Asian, 0.011%; no homozygotes.

Submission:

Juno Genomics, Hangzhou Juno Genomics, Inc
Classification: Likely pathogenic for Anterior segment dysgenesis 8. Review status: criteria provided, single submitter. Criteria: ACMG Guidelines, 2015. Collection method: clinical testing. Allele origin: germline.
Comment: Absent from controls (or at extremely low frequency if recessive) in Genome Aggregation Database.;Null variant in a gene where loss of function (LOF) is a known mechanism of disease.